The following is an entry in ClinVar:

NM_002047.4(GARS1):c.684T>A (p.Asp228Glu)

Gene: GARS1 (glycyl-tRNA synthetase 1; plus strand). Cytogenetic location: 7p14.3.
Variant type: single nucleotide variant.
Coding change: c.684T>A on transcript NM_002047.4 (MANE Select); coding-DNA position 684, T replaced by A.
Protein change: p.Asp228Glu; replaces aspartic acid 228 with glutamic acid.
Molecular consequence: missense variant.
Genome position (GRCh38, 1-based): chr7:30,603,521, T>A. VCF-style: chr7-30603521-T-A. GRCh37 (hg19) VCF-style: chr7-30643137-T-A.
Other names: c.522T>A, p.Asp174Glu (NM_001316772.1); short protein forms D174E, D228E.
Identifiers: ClinVar variation 2673099 (VCV002673099.23), dbSNP rs557776627, ClinGen allele CA367139921.

ClinVar aggregate classification (germline): Uncertain significance (1 of 4 stars; one submission).

gnomAD v4.1: 1 of 1,613,902 alleles (0.000062%); highest among the groups gnomAD compares: Non-Finnish European, 0.000085%; no homozygotes.

Submission:

CeGaT Center for Human Genetics Tuebingen
Classification: Uncertain significance. Last evaluated: 2023-11-01. Review status: criteria provided, single submitter. Criteria: CeGaT Center For Human Genetics Tuebingen Variant Classification Criteria Version 2. Collection method: clinical testing. Allele origin: germline. Affected: yes. Observed: 1 variant allele.
Comment: GARS1: PM2